The following is an entry in ClinVar:

ClinVar aggregate classification (germline): Likely benign (1 of 4 stars; one submission).

gnomAD v4.1: 27 of 398,610 alleles (0.0068%); highest among the groups gnomAD compares: South Asian, 0.13%; no homozygotes.

Submission:

CeGaT Center for Human Genetics Tuebingen
Classification: Likely benign. Last evaluated: 2025-02-01. Review status: criteria provided, single submitter. Criteria: CeGaT Center For Human Genetics Tuebingen Variant Classification Criteria Version 2. Collection method: clinical testing. Allele origin: germline. Affected: yes. Observed: 1 variant allele.
Comment: KCNQ1OT1: BS1

NM_000218.3(KCNQ1):c.1514+6509A>G

Genes: KCNQ1 (potassium voltage-gated channel subfamily Q member 1; plus strand), KCNQ1OT1 (KCNQ1 opposite strand/antisense transcript 1; minus strand). Cytogenetic location: 11p15.5.
Variant type: single nucleotide variant.
Coding change: c.1514+6509A>G on transcript NM_000218.3 (MANE Select); 6509 bases into the intron after coding-DNA position 1514, A replaced by G.
Molecular consequence: intron variant. On other transcripts: non-coding transcript variant (1).
Genome position (GRCh38, 1-based): chr11:2,668,590, A>G. VCF-style: chr11-2668590-A-G. GRCh37 (hg19) VCF-style: chr11-2689820-A-G.
Other names: c.974+6509A>G (NM_001406838.1); c.1133+6509A>G (NM_181798.2); c.1244+6509A>G (NM_001406837.1); c.1418+6509A>G (NM_001406836.1).
Identifiers: ClinVar variation 3771882 (VCV003771882.13).